The following is an entry in ClinVar:

NM_004415.4(DSP):c.1903+11G>T

Gene: DSP (desmoplakin; plus strand). Cytogenetic location: 6p24.3.
Variant type: single nucleotide variant.
Coding change: c.1903+11G>T on transcript NM_004415.4 (MANE Select); 11 bases into the intron after coding-DNA position 1903, G replaced by T.
Molecular consequence: intron variant.
Genome position (GRCh38, 1-based): chr6:7,571,595, G>T. VCF-style: chr6-7571595-G-T. GRCh37 (hg19) VCF-style: chr6-7571828-G-T.
Other names: c.1903+11G>T (NM_001319034.2, NM_001008844.3).
Identifiers: ClinVar variation 1961147 (VCV001961147.5), dbSNP rs2533894779, ClinGen allele CA2580075396.

ClinVar aggregate classification (germline): Uncertain significance (1 of 4 stars; one submission).

Conditions:
Arrhythmogenic cardiomyopathy with wooly hair and keratoderma. Also called: Arrhythmogenic cardiomyopathy with woolly hair and keratoderma; Carvajal syndrome; PALMOPLANTAR KERATODERMA WITH LEFT VENTRICULAR CARDIOMYOPATHY AND WOOLLY HAIR; Dilated cardiomyopathy with woolly hair and keratoderma. Identifiers: Orphanet 65282, MedGen C1854063, MONDO:0011581, OMIM 605676.
Arrhythmogenic right ventricular dysplasia 8 (ARVD8). Also called: Arrhythmogenic Right Ventricular Dysplasia/Cardiomyopathy 8; ARRHYTHMOGENIC RIGHT VENTRICULAR CARDIOMYOPATHY 8; ARRHYTHMOGENIC RIGHT VENTRICULAR DYSPLASIA, FAMILIAL, 8. Identifiers: MedGen C1843896, MONDO:0011831, OMIM 607450.

Submission:

Labcorp Genetics (formerly Invitae), Labcorp
Classification: Uncertain significance for Arrhythmogenic cardiomyopathy with wooly hair and keratoderma; Arrhythmogenic right ventricular dysplasia 8. Last evaluated: 2021-12-17. Review status: criteria provided, single submitter. Criteria: Invitae Variant Classification Sherloc (09022015). Collection method: clinical testing. Allele origin: germline.
Comment: In summary, the available evidence is currently insufficient to determine the role of this variant in disease. Therefore, it has been classified as a Variant of Uncertain Significance. Algorithms developed to predict the effect of sequence changes on RNA splicing suggest that this variant may create or strengthen a splice site. This variant has not been reported in the literature in individuals affected with DSP-related conditions. This variant is not present in population databases (gnomAD no frequency). This sequence change falls in intron 14 of the DSP gene. It does not directly change the encoded amino acid sequence of the DSP protein.